The following is an entry in ClinVar:

ClinVar aggregate classification (germline): Uncertain significance (1 of 4 stars; one submission).

Conditions:
Werner syndrome (WRN). Identifiers: Orphanet 902, MedGen C0043119, MONDO:0010196, OMIM 277700.

Allele frequency attached by ClinVar (database versions not stated): gnomAD exomes below 0.00001.
gnomAD v4.1: 1 of 1,613,122 alleles (0.000062%); highest among the groups gnomAD compares: Non-Finnish European, 0.000085%; no homozygotes.

Submission:

Labcorp Genetics (formerly Invitae), Labcorp
Classification: Uncertain significance for Werner syndrome. Last evaluated: 2022-12-19. Review status: criteria provided, single submitter. Criteria: Invitae Variant Classification Sherloc (09022015). Collection method: clinical testing. Allele origin: germline.
Comment: In summary, the available evidence is currently insufficient to determine the role of this variant in disease. Therefore, it has been classified as a Variant of Uncertain Significance. Studies have shown that this missense change is associated with altered splicing resulting in unknown protein product impact (Invitae). Algorithms developed to predict the effect of missense changes on protein structure and function are either unavailable or do not agree on the potential impact of this missense change (SIFT: "Not Available"; PolyPhen-2: "Probably Damaging"; Align-GVGD: "Not Available"). This variant has not been reported in the literature in individuals affected with WRN-related conditions. This variant is not present in population databases (gnomAD no frequency). This sequence change replaces aspartic acid, which is acidic and polar, with glycine, which is neutral and non-polar, at codon 919 of the WRN protein (p.Asp919Gly).

NM_000553.6(WRN):c.2756A>G (p.Asp919Gly)

Gene: WRN (WRN RecQ like helicase; plus strand). Cytogenetic location: 8p12.
Variant type: single nucleotide variant.
Coding change: c.2756A>G on transcript NM_000553.6 (MANE Select); coding-DNA position 2756, A replaced by G.
Protein change: p.Asp919Gly; replaces aspartic acid 919 with glycine.
Molecular consequence: missense variant.
Genome position (GRCh38, 1-based): chr8:31,124,931, A>G. VCF-style: chr8-31124931-A-G. GRCh37 (hg19) VCF-style: chr8-30982447-A-G.
Other names: short protein forms D919G.
Identifiers: ClinVar variation 1993026 (VCV001993026.4), dbSNP rs2535995982, ClinGen allele CA370917628.